The following is an entry in ClinVar:

NM_176787.5(PIGN):c.1697A>G (p.Tyr566Cys)

Gene: PIGN (phosphatidylinositol glycan anchor biosynthesis class N; minus strand). Cytogenetic location: 18q21.33.
Variant type: single nucleotide variant.
Coding change: c.1697A>G on transcript NM_176787.5 (MANE Select); coding-DNA position 1697, A replaced by G.
Protein change: p.Tyr566Cys; replaces tyrosine 566 with cysteine.
Molecular consequence: missense variant.
Genome position (GRCh38, 1-based): chr18:62,106,859, T>C on the plus strand (A>G on the coding strand, the complement: PIGN is on the minus strand). VCF-style: chr18-62106859-T-C. GRCh37 (hg19) VCF-style: chr18-59774092-T-C.
Other names: c.1697A>G, p.Tyr566Cys (NM_012327.6); short protein forms Y566C.
Identifiers: ClinVar variation 950948 (VCV000950948.10), dbSNP rs540784458, ClinGen allele CA8982195.
Genomic context (GRCh38, chr18:62,106,859, plus strand): 5'-GTCCACAGCCGAGTGAGAAATGGCCAAGCTGCAAAGGCAGTAAGTCCAGCGGTAAGCATA[T>C]AGCGGTAGAAAAAACTGAGAACCTAGTAATGCATTCCAAAGAAGGAATGAAAAATAAGGT-3'
Protein context (NP_789744.1, residues 556-576): EVLVLSFFYR[Tyr566Cys]MLTAGLTAFA

ClinVar aggregate classification (germline): Uncertain significance. Review status: criteria provided, multiple submitters, no conflicts (2 of 4 stars). 3 submissions from 3 submitters: Uncertain significance (3). Last evaluated 2026-01-22.

Conditions:
Inborn genetic diseases. Identifiers: MedGen C0950123, MeSH D030342.
Multiple congenital anomalies-hypotonia-seizures syndrome 1 (MCAHS1). Also called: GLYCOSYLPHOSPHATIDYLINOSITOL BIOSYNTHESIS DEFECT 3; PIGN-CDG; Congenital disorder of glycosylation due to PIGN deficiency. Identifiers: Orphanet 280633, MedGen C3279775, MONDO:0013563, OMIM 614080.

Allele frequency attached by ClinVar (database versions not stated): ExAC 0.00001; gnomAD 0.00001; gnomAD exomes 0.00002 and 0.00005; TOPMed 0.00003.
gnomAD v4.1: 76 of 1,608,806 alleles (0.0047%); highest among the groups gnomAD compares: Non-Finnish European, 0.0062%; no homozygotes.

Submissions (3):

Labcorp Genetics (formerly Invitae), Labcorp
Classification: Uncertain significance for Multiple congenital anomalies-hypotonia-seizures syndrome 1. Last evaluated: 2026-01-22. Review status: criteria provided, single submitter. Criteria: Invitae Variant Classification Sherloc (09022015). Collection method: clinical testing. Allele origin: germline.
Comment: This sequence change replaces tyrosine, which is neutral and polar, with cysteine, which is neutral and slightly polar, at codon 566 of the PIGN protein (p.Tyr566Cys). This variant is present in population databases (rs540784458, gnomAD 0.003%). This variant has not been reported in the literature in individuals affected with PIGN-related conditions. ClinVar contains an entry for this variant (Variation ID: 950948). Invitae Evidence Modeling of protein sequence and biophysical properties (such as structural, functional, and spatial information, amino acid conservation, physicochemical variation, residue mobility, and thermodynamic stability) indicates that this missense variant is not expected to disrupt PIGN protein function with a negative predictive value of 80%. In summary, the available evidence is currently insufficient to determine the role of this variant in disease. Therefore, it has been classified as a Variant of Uncertain Significance.

GeneDx
Classification: Uncertain significance. Last evaluated: 2023-12-29. Review status: criteria provided, single submitter. Criteria: GeneDx Variant Classification Process June 2021. Collection method: clinical testing. Allele origin: germline. Affected: yes.
Comment: Not observed at significant frequency in large population cohorts (gnomAD); In silico analysis supports that this missense variant does not alter protein structure/function; Has not been previously published as pathogenic or benign to our knowledge

Ambry Genetics
Classification: Uncertain significance for Inborn genetic diseases. Last evaluated: 2023-10-02. Review status: criteria provided, single submitter. Criteria: Ambry Variant Classification Scheme 2023. Collection method: clinical testing. Allele origin: germline.